The following is an entry in ClinVar:

NM_000346.4(SOX9):c.685+4dup

Gene: SOX9 (SRY-box transcription factor 9; plus strand). Cytogenetic location: 17q24.3.
Variant type: Duplication.
Coding change: c.685+4dup on transcript NM_000346.4 (MANE Select); 4 bases into the intron after coding-DNA position 685, one base duplicated (A; older notation c.685+4dupA).
Molecular consequence: intron variant.
Genome position (GRCh38, 1-based): chr17:72,122,976, A duplicated. VCF-style (leftmost placement, unchanged base first): chr17-72122975-G-GA. GRCh37 (hg19) VCF-style: chr17-70119116-G-GA.
Identifiers: ClinVar variation 2842731 (VCV002842731.3), dbSNP rs2509624834, ClinGen allele CA2739268448.
Genomic context (GRCh38, chr17:72,122,975, plus strand): 5'-GACTCGCCACACTCCTCCTCCGGCATGAGCGAGGTGCACTCCCCCGGCGAGCACTCGGGT[G>GA]AGTCGCCCCTCGACCCCACCGGACAAGCTATCTCCGTCCCGCCTGGCACACCCCCTGCCC-3'

ClinVar aggregate classification (germline): Uncertain significance (1 of 4 stars; one submission).

Conditions:
Camptomelic dysplasia (CMPD). Also called: Campomelic Dysplasia; CMPD1/SRA1. Identifiers: Orphanet 140, MedGen C1861922, MONDO:0007251, OMIM 114290.

Submission:

Labcorp Genetics (formerly Invitae), Labcorp
Classification: Uncertain significance for Camptomelic dysplasia. Last evaluated: 2023-03-03. Review status: criteria provided, single submitter. Criteria: Invitae Variant Classification Sherloc (09022015). Collection method: clinical testing. Allele origin: germline.
Comment: In summary, the available evidence is currently insufficient to determine the role of this variant in disease. Therefore, it has been classified as a Variant of Uncertain Significance. Variants that disrupt the consensus splice site are a relatively common cause of aberrant splicing (PMID: 17576681, 9536098). Algorithms developed to predict the effect of sequence changes on RNA splicing suggest that this variant may disrupt the consensus splice site. This variant has been observed in individual(s) with campomelic dysplasia (Invitae). This variant is not present in population databases (gnomAD no frequency). This sequence change falls in intron 2 of the SOX9 gene. It does not directly change the encoded amino acid sequence of the SOX9 protein. It affects a nucleotide within the consensus splice site.

Literature cited by the submitters: PubMed 17576681; PubMed 9536098.